The following is an entry in ClinVar:

NM_001267550.2(TTN):c.32035G>A (p.Val10679Ile)

Gene: TTN (titin; minus strand). Cytogenetic location: 2q31.2.
Variant type: single nucleotide variant.
Coding change: c.32035G>A on transcript NM_001267550.2 (MANE Select); coding-DNA position 32035, G replaced by A.
Protein change: p.Val10679Ile; replaces valine 10679 with isoleucine.
Molecular consequence: missense variant. On other transcripts: intron variant (3).
Genome position (GRCh38, 1-based): chr2:178,689,113, C>T on the plus strand (G>A on the coding strand, the complement: TTN is on the minus strand). VCF-style: chr2-178689113-C-T. GRCh37 (hg19) VCF-style: chr2-179553840-C-T.
Other names: c.31084G>A, p.Val10362Ile (NM_001256850.1); c.28303G>A, p.Val9435Ile (NM_133378.4); c.13283-46796G>A (NM_003319.4); c.13859-46796G>A (NM_133437.4); c.13658-46796G>A (NM_133432.3); short protein forms V10679I, V9435I, V10362I.
Identifiers: ClinVar variation 178229 (VCV000178229.15), dbSNP rs369932282, ClinGen allele CA181848.

ClinVar aggregate classification (germline): Conflicting classifications of pathogenicity. Review status: criteria provided, conflicting classifications (1 of 4 stars). 10 submissions from 6 submitters: Uncertain significance (7); Likely benign (2). 1 of the submissions does not count toward it. Last evaluated 2024-11-12.

Conditions:
TTN-related disorder. Also called: TTN-related condition; TTN-related disease; TTN-related disorders.
Early-onset myopathy with fatal cardiomyopathy (CMYO5). Also called: CONGENITAL MYOPATHY 5 WITH CARDIOMYOPATHY; Salih Myopathy. Identifiers: Orphanet 289377, MedGen C2673677, MONDO:0012714, OMIM 611705. Disease mechanism: loss of function.
Myopathy, myofibrillar, 9, with early respiratory failure (MFM9). Also called: Hereditary myopathy with early respiratory failure; EDSTROM MYOPATHY; MYOPATHY, PROXIMAL, WITH EARLY RESPIRATORY MUSCLE INVOLVEMENT; Myopathy, distal, with early respiratory failure, autosomal dominant. Identifiers: Orphanet 178464, Orphanet 34521, MedGen C1863599, MONDO:0011362, OMIM 603689.
Dilated cardiomyopathy 1G (CMD1G). Identifiers: Orphanet 154, MedGen C1858763, MONDO:0011400, OMIM 604145.
Autosomal recessive limb-girdle muscular dystrophy type 2J (LGMDR10). Also called: Limb-girdle muscular dystrophy, type 2J; MUSCULAR DYSTROPHY, LIMB-GIRDLE, AUTOSOMAL RECESSIVE 10. Identifiers: Orphanet 140922, MedGen C1837342, MONDO:0012127, OMIM 608807.
Tibial muscular dystrophy (TMD). Also called: Tibial muscular dystrophy, tardive; UDD MYOPATHY; Udd Distal Myopathy – Tibial Muscular Dystrophy. Identifiers: Orphanet 609, MedGen C1838244, MONDO:0010870, OMIM 600334.

Allele frequency attached by ClinVar (database versions not stated): ExAC 0.00004; TOPMed 0.00004; gnomAD exomes 0.00005 and 0.00012; gnomAD 0.00006 and 0.00007; ESP Exome Variant Server 0.00008.
gnomAD v4.1: 181 of 1,603,762 alleles (0.011%); highest among the groups gnomAD compares: Middle Eastern, 0.033%; no homozygotes.

Submissions (10):

Blueprint Genetics
Classification: Likely benign. Last evaluated: 2024-11-12. Review status: criteria provided, single submitter. Criteria: ACMG Guidelines, 2015. Collection method: clinical testing. Allele origin: germline.

Women's Health and Genetics/Laboratory Corporation of America, LabCorp
Classification: Uncertain significance. Last evaluated: 2024-04-29. Review status: criteria provided, single submitter. Criteria: LabCorp Variant Classification Summary - May 2015. Collection method: clinical testing. Allele origin: germline.
Comment: Variant summary: TTN c.28303G>A (p.Val9435Ile) results in a conservative amino acid change located in the I-band region of the encoded protein sequence. Three of five in-silico tools predict a damaging effect of the variant on protein function. The variant allele was found at a frequency of 4.9e-05 in 243346 control chromosomes, predominantly at a frequency of 9e-05 within the Non-Finnish European subpopulation in the gnomAD database. This frequency is not significantly higher than estimated for a pathogenic variant in TTN causing Dilated Cardiomyopathy (4.9e-05 vs 0.00039), allowing no conclusion about variant significance. To our knowledge, no occurrence of c.28303G>A in individuals affected with Dilated Cardiomyopathy and no experimental evidence demonstrating its impact on protein function have been reported. ClinVar contains an entry for this variant (Variation ID: 178229). Based on the evidence outlined above, the variant was classified as VUS-possibly benign.

GeneDx
Classification: Likely benign. Last evaluated: 2020-06-17. Review status: criteria provided, single submitter. Criteria: GeneDx Variant Classification Process June 2021. Collection method: clinical testing. Allele origin: germline. Affected: yes.

Illumina Laboratory Services, Illumina
Classification: Uncertain significance for Autosomal recessive limb-girdle muscular dystrophy type 2J. Last evaluated: 2018-01-12. Review status: criteria provided, single submitter. Criteria: ICSL Variant Classification Criteria 13 December 2019. Collection method: clinical testing. Allele origin: germline.

Illumina Laboratory Services, Illumina
Classification: Uncertain significance for Dilated cardiomyopathy 1G. Last evaluated: 2018-01-12. Review status: criteria provided, single submitter. Criteria: ICSL Variant Classification Criteria 13 December 2019. Collection method: clinical testing. Allele origin: germline.

Illumina Laboratory Services, Illumina
Classification: Uncertain significance for Myopathy, myofibrillar, 9, with early respiratory failure. Last evaluated: 2018-01-12. Review status: criteria provided, single submitter. Criteria: ICSL Variant Classification Criteria 13 December 2019. Collection method: clinical testing. Allele origin: germline.

Illumina Laboratory Services, Illumina
Classification: Uncertain significance for Early-onset myopathy with fatal cardiomyopathy. Last evaluated: 2018-01-12. Review status: criteria provided, single submitter. Criteria: ICSL Variant Classification Criteria 13 December 2019. Collection method: clinical testing. Allele origin: germline.

Illumina Laboratory Services, Illumina
Classification: Uncertain significance for Tibial muscular dystrophy. Last evaluated: 2018-01-12. Review status: criteria provided, single submitter. Criteria: ICSL Variant Classification Criteria 13 December 2019. Collection method: clinical testing. Allele origin: germline.

Laboratory for Molecular Medicine, Mass General Brigham Personalized Medicine
Classification: Uncertain significance. Last evaluated: 2014-02-06. Review status: criteria provided, single submitter. Criteria: LMM Criteria. Collection method: clinical testing. Allele origin: germline. Observed: 2 variant alleles.
Comment: Variant classified as Uncertain Significance - Favor Benign. The Val9435Ile vari ant in TTN has not been previously identified by our laboratory or in the litera ture, but has been identified in 1/8182 of European American chromosomes by the NHLBI Exome Sequencing Project (dbSNP rs36993 2282). Valine (Val) at position 9435 is not well conserved in evolution and pand a carries an isoleucine (Ile) at this position, raising the possibility that thi s change may be tolerated. Additional computational analyses (biochemical amino acid properties, AlignGVGD, and PolyPhen2) also suggest that the Val9435Ile vari ant may not impact the protein, though this information is not predictive enough to rule out pathogenicity. In summary, although the available data raise the po ssibility that the Val9435Ile variant may be benign, additional studies are need ed to fully assess its clinical significance.

PreventionGenetics, part of Exact Sciences
Classification: Uncertain significance for TTN-related condition. Last evaluated: 2024-06-22. Review status: no assertion criteria provided. Collection method: clinical testing. Allele origin: germline. Not counted in ClinVar's aggregate classification.
Comment: The TTN c.32035G>A variant is predicted to result in the amino acid substitution p.Val10679Ile. To our knowledge, this variant has not been reported in the literature. This variant is reported in 0.0087% of alleles in individuals of European (Non-Finnish) descent in gnomAD. At this time, the clinical significance of this variant is uncertain due to the absence of conclusive functional and genetic evidence.